The following is an entry in ClinVar:

ClinVar aggregate classification (germline): Uncertain significance (1 of 4 stars; one submission).

Submission:

Labcorp Genetics (formerly Invitae), Labcorp
Classification: Uncertain significance. Last evaluated: 2025-12-03. Review status: criteria provided, single submitter. Criteria: Invitae Variant Classification Sherloc (09022015). Collection method: clinical testing. Allele origin: germline.
Comment: This sequence change replaces arginine, which is basic and polar, with glycine, which is neutral and non-polar, at codon 241 of the GRIA3 protein (p.Arg241Gly). This variant is not present in population databases (gnomAD no frequency). This variant has not been reported in the literature in individuals affected with GRIA3-related conditions. Invitae Evidence Modeling of protein sequence and biophysical properties (such as structural, functional, and spatial information, amino acid conservation, physicochemical variation, residue mobility, and thermodynamic stability) indicates that this missense variant is not expected to disrupt GRIA3 protein function with a negative predictive value of 80%. In summary, the available evidence is currently insufficient to determine the role of this variant in disease. Therefore, it has been classified as a Variant of Uncertain Significance.

NM_007325.5(GRIA3):c.721A>G (p.Arg241Gly)

Gene: GRIA3 (glutamate ionotropic receptor AMPA type subunit 3; plus strand). Cytogenetic location: Xq25.
Variant type: single nucleotide variant.
Coding change: c.721A>G on transcript NM_007325.5 (MANE Select); coding-DNA position 721, A replaced by G.
Protein change: p.Arg241Gly; replaces arginine 241 with glycine.
Molecular consequence: missense variant.
Genome position (GRCh38, 1-based): chrX:123,354,934, A>G. VCF-style: chrX-123354934-A-G. GRCh37 (hg19) VCF-style: chrX-122488785-A-G.
Other names: c.721A>G, p.Arg241Gly (NM_000828.5); short protein forms R241G.
Identifiers: ClinVar variation 4741184 (VCV004741184.1).